The following is an entry in ClinVar:

ClinVar aggregate classification (germline): Uncertain significance (1 of 4 stars; one submission).

Conditions:
Inborn genetic diseases. Identifiers: MedGen C0950123, MeSH D030342.

Submission:

Ambry Genetics
Classification: Uncertain significance for Inborn genetic diseases. Last evaluated: 2025-02-09. Review status: criteria provided, single submitter. Criteria: Ambry Variant Classification Scheme 2023. Collection method: clinical testing. Allele origin: germline.
Comment: The p.A23P variant (also known as c.67G>C), located in coding exon 1 of the KDM1A gene, results from a G to C substitution at nucleotide position 67. The alanine at codon 23 is replaced by proline, an amino acid with highly similar properties. This amino acid position is conserved. In addition, this alteration is predicted to be tolerated by in silico analysis. Based on the available evidence, the clinical significance of this variant remains unclear.

NM_001009999.3(KDM1A):c.67G>C (p.Ala23Pro)

Gene: KDM1A (lysine demethylase 1A; plus strand). Cytogenetic location: 1p36.12.
Variant type: single nucleotide variant.
Coding change: c.67G>C on transcript NM_001009999.3 (MANE Select); coding-DNA position 67, G replaced by C.
Protein change: p.Ala23Pro; replaces alanine 23 with proline.
Molecular consequence: missense variant.
Genome position (GRCh38, 1-based): chr1:23,019,663, G>C. VCF-style: chr1-23019663-G-C. GRCh37 (hg19) VCF-style: chr1-23346156-G-C.
Other names: c.67G>C, p.Ala23Pro (NM_001363654.2, NM_001410762.1, NM_001410763.1 and 1 more transcripts); short protein forms A23P.
Identifiers: ClinVar variation 3863319 (VCV003863319.1).